The following is an entry in ClinVar:

NM_001142800.2(EYS):c.-503A>G

Gene: EYS (eyes shut homolog; minus strand). Cytogenetic location: 6q12.
Variant type: single nucleotide variant.
Coding change: c.-503A>G on transcript NM_001142800.2 (MANE Select); 503 bases upstream of the start codon, A replaced by G.
Molecular consequence: 5 prime UTR variant.
Genome position (GRCh38, 1-based): chr6:65,707,190, T>C on the plus strand (A>G on the coding strand, the complement: EYS is on the minus strand). VCF-style: chr6-65707190-T-C. GRCh37 (hg19) VCF-style: chr6-66417083-T-C.
Other names: c.-503A>G (NM_001142801.2, NM_001292009.2).
Identifiers: ClinVar variation 1368834 (VCV001368834.3), dbSNP rs1769911484, ClinGen allele CA1089938951.

ClinVar aggregate classification (germline): Uncertain significance (1 of 4 stars; one submission).

gnomAD v4.1: 1 of 152,166 alleles (0.00066%); highest among the groups gnomAD compares: South Asian, 0.021%; no homozygotes.

Submission:

Labcorp Genetics (formerly Invitae), Labcorp
Classification: Uncertain significance. Last evaluated: 2021-08-10. Review status: criteria provided, single submitter. Criteria: Invitae Variant Classification Sherloc (09022015). Collection method: clinical testing. Allele origin: germline.
Comment: This variant occurs in a non-coding region of the EYS gene. It does not change the encoded amino acid sequence of the EYS protein. The frequency data for this variant in the population databases is considered unreliable, as metrics indicate insufficient coverage at this position in the ExAC database. This variant has not been reported in the literature in individuals affected with EYS-related conditions. Experimental studies and prediction algorithms are not available or were not evaluated, and the functional significance of this variant is currently unknown. In summary, the available evidence is currently insufficient to determine the role of this variant in disease. Therefore, it has been classified as a Variant of Uncertain Significance.